The following is an entry in ClinVar:

ClinVar aggregate classification (germline): Uncertain significance (1 of 4 stars; one submission).

Allele frequency attached by ClinVar (database versions not stated): gnomAD exomes below 0.00001; ExAC 0.00001; gnomAD 0.00001; TOPMed 0.00001; ESP Exome Variant Server 0.00008.
gnomAD v4.1: 7 of 1,613,680 alleles (0.00043%); highest among the groups gnomAD compares: Non-Finnish European, 0.00059%; no homozygotes.

Submission:

Labcorp Genetics (formerly Invitae), Labcorp
Classification: Uncertain significance. Last evaluated: 2022-07-13. Review status: criteria provided, single submitter. Criteria: Invitae Variant Classification Sherloc (09022015). Collection method: clinical testing. Allele origin: germline.
Comment: In summary, the available evidence is currently insufficient to determine the role of this variant in disease. Therefore, it has been classified as a Variant of Uncertain Significance. Advanced modeling of protein sequence and biophysical properties (such as structural, functional, and spatial information, amino acid conservation, physicochemical variation, residue mobility, and thermodynamic stability) performed at Invitae indicates that this missense variant is expected to disrupt NTRK2 protein function. This variant has not been reported in the literature in individuals affected with NTRK2-related conditions. This variant is present in population databases (rs368307071, gnomAD 0.0009%). This sequence change replaces glutamic acid, which is acidic and polar, with glycine, which is neutral and non-polar, at codon 416 of the NTRK2 protein (p.Glu416Gly).

NM_006180.6(NTRK2):c.1247A>G (p.Glu416Gly)

Gene: NTRK2 (neurotrophic receptor tyrosine kinase 2; plus strand). Cytogenetic location: 9q21.33.
Variant type: single nucleotide variant.
Coding change: c.1247A>G on transcript NM_006180.6 (MANE Select); coding-DNA position 1247, A replaced by G.
Protein change: p.Glu416Gly; replaces glutamic acid 416 with glycine.
Molecular consequence: missense variant.
Genome position (GRCh38, 1-based): chr9:84,745,024, A>G. VCF-style: chr9-84745024-A-G. GRCh37 (hg19) VCF-style: chr9-87359939-A-G.
Other names: c.1247A>G, p.Glu416Gly (NM_001007097.3, NM_001018064.3, NM_001018065.2 and 16 more transcripts); c.1208A>G, p.Glu403Gly (NM_001291937.2, NM_001369546.1); c.1211A>G, p.Glu404Gly (NM_001369534.1); c.779A>G, p.Glu260Gly (NM_001369535.1, NM_001369536.1, NM_001369550.1 and 2 more transcripts); short protein forms E260G, E403G, E416G, E404G.
Identifiers: ClinVar variation 2016836 (VCV002016836.4), dbSNP rs368307071, ClinGen allele CA5105685.